The following is an entry in ClinVar:

NM_001127208.3(TET2):c.709T>G (p.Cys237Gly)

Genes: TET2 (tet methylcytosine dioxygenase 2; plus strand), TET2-AS1 (TET2 antisense RNA 1; minus strand). Cytogenetic location: 4q24.
Variant type: single nucleotide variant.
Coding change: c.709T>G on transcript NM_001127208.3 (MANE Select); coding-DNA position 709, T replaced by G.
Protein change: p.Cys237Gly; replaces cysteine 237 with glycine.
Molecular consequence: missense variant.
Genome position (GRCh38, 1-based): chr4:105,234,651, T>G. VCF-style: chr4-105234651-T-G. GRCh37 (hg19) VCF-style: chr4-106155808-T-G.
Other names: c.709T>G, p.Cys237Gly (NM_017628.4); short protein forms C237G.
Identifiers: ClinVar variation 3967560 (VCV003967560.1).

ClinVar aggregate classification (germline): Uncertain significance (1 of 4 stars; one submission).

Submission:

Ambry Genetics
Classification: Uncertain significance. Last evaluated: 2025-04-12. Review status: criteria provided, single submitter. Criteria: Ambry Variant Classification Scheme 2023. Collection method: clinical testing. Allele origin: germline.
Comment: The p.C237G variant (also known as c.709T>G), located in coding exon 1 of the TET2 gene, results from a T to G substitution at nucleotide position 709. The cysteine at codon 237 is replaced by glycine, an amino acid with highly dissimilar properties. This amino acid position is conserved. In addition, this alteration is predicted to be tolerated by in silico analysis. Based on the available evidence, the clinical significance of this variant remains unclear.